The following is an entry in ClinVar:

ClinVar aggregate classification (germline): Pathogenic (1 of 4 stars; one submission).

Conditions:
Achromatopsia 3 (ACHM3). Also called: ACHROMATOPSIA WITH MYOPIA; PINGELAPESE BLINDNESS; TOTAL COLORBLINDNESS WITH MYOPIA; ROD MONOCHROMACY 1; ROD MONOCHROMATISM 1. Identifiers: Orphanet 49382, MedGen C1849792, MONDO:0009875, OMIM 262300.

Submission:

Myriad Genetics, Inc.
Classification: Pathogenic for Achromatopsia 3. Last evaluated: 2024-08-30. Review status: criteria provided, single submitter. Criteria: Myriad Autosomal Dominant, Autosomal Recessive and X-Linked Classification Criteria (2023). Collection method: clinical testing. Allele origin: unknown.
Comment: NM_019098.4(CNGB3):c.1256_1257insT(E419Dfs*43) is expected to be pathogenic in the context of achromatopsia, CNGB3-related. This variant is predicted to lead to an abnormal or absent protein product due to the creation of a premature termination codon in CNGB3, a gene where loss-of-function variants are known to be pathogenic. Please note: this variant was assessed in the context of healthy population screening.

NM_019098.5(CNGB3):c.1256_1257insT (p.Glu419fs)

Gene: CNGB3 (cyclic nucleotide gated channel subunit beta 3; minus strand). Cytogenetic location: 8q21.3.
Variant type: Insertion.
Coding change: c.1256_1257insT on transcript NM_019098.5 (MANE Select); coding-DNA positions 1256 to 1257, T inserted.
Protein change: p.Glu419fs; shifts the reading frame from glutamic acid 419.
Molecular consequence: frameshift variant.
Genome position: GRCh38 VCF-style: chr8-86632815-T-TA. GRCh37 (hg19) VCF-style: chr8-87645043-T-TA.
Other names: short protein forms E419fs.
Identifiers: ClinVar variation 5013506 (VCV005013506.1).